The following is an entry in ClinVar:

ClinVar aggregate classification (germline): Uncertain significance. Review status: criteria provided, multiple submitters, no conflicts (2 of 4 stars). 5 submissions from 5 submitters: Uncertain significance (5). Last evaluated 2024-12-11.

Conditions:
Familial thoracic aortic aneurysm and aortic dissection (TAAD). Also called: Thoracic aortic aneurysms and dissections. Identifiers: Orphanet 91387, MedGen C4707243, MONDO:0019625.

Allele frequency attached by ClinVar (database versions not stated): gnomAD exomes below 0.00001.
gnomAD v4.1: 2 of 1,613,990 alleles (0.00012%); highest among the groups gnomAD compares: Non-Finnish European, 0.00017%; no homozygotes.

Submissions (5):

GeneDx
Classification: Uncertain significance. Last evaluated: 2024-12-11. Review status: criteria provided, single submitter. Criteria: GeneDx Variant Classification Process June 2021. Collection method: clinical testing. Allele origin: germline. Affected: yes.
Comment: Not observed at significant frequency in large population cohorts (gnomAD); In silico analysis supports that this missense variant has a deleterious effect on protein structure/function; Has not been previously published as pathogenic or benign to our knowledge

Color Diagnostics, LLC DBA Color Health
Classification: Uncertain significance for Familial thoracic aortic aneurysm and aortic dissection. Last evaluated: 2024-03-06. Review status: criteria provided, single submitter. Criteria: ACMG Guidelines, 2015. Collection method: clinical testing. Allele origin: germline.
Comment: This missense variant replaces glycine with arginine at codon 345 of the TGFBR1 protein. Computational prediction suggests that this variant may have deleterious impact on protein structure and function (internally defined REVEL score threshold >= 0.7, PMID: 27666373). To our knowledge, functional studies have not been reported for this variant. This variant has not been reported in individuals affected with cardiovascular disorders in the literature. This variant has not been identified in the general population by the Genome Aggregation Database (gnomAD). The available evidence is insufficient to determine the role of this variant in disease conclusively. Therefore, this variant is classified as a Variant of Uncertain Significance.

Labcorp Genetics (formerly Invitae), Labcorp
Classification: Uncertain significance for Familial thoracic aortic aneurysm and aortic dissection. Last evaluated: 2023-10-17. Review status: criteria provided, single submitter. Criteria: Invitae Variant Classification Sherloc (09022015). Collection method: clinical testing. Allele origin: germline.
Comment: This sequence change replaces glycine, which is neutral and non-polar, with arginine, which is basic and polar, at codon 345 of the TGFBR1 protein (p.Gly345Arg). This variant is not present in population databases (gnomAD no frequency). This variant has not been reported in the literature in individuals affected with TGFBR1-related conditions. ClinVar contains an entry for this variant (Variation ID: 520225). Advanced modeling of protein sequence and biophysical properties (such as structural, functional, and spatial information, amino acid conservation, physicochemical variation, residue mobility, and thermodynamic stability) performed at Invitae indicates that this missense variant is not expected to disrupt TGFBR1 protein function. In summary, the available evidence is currently insufficient to determine the role of this variant in disease. Therefore, it has been classified as a Variant of Uncertain Significance.

AiLife Diagnostics
Classification: Uncertain significance. Last evaluated: 2022-01-22. Review status: criteria provided, single submitter. Criteria: ACMG Guidelines, 2015. Collection method: clinical testing. Allele origin: germline. Affected: yes. Observed: 1 variant allele.

Ambry Genetics
Classification: Uncertain significance for Familial thoracic aortic aneurysm and aortic dissection. Last evaluated: 2017-06-29. Review status: criteria provided, single submitter. Criteria: Ambry Variant Classification Scheme 2023. Collection method: clinical testing. Allele origin: germline.
Comment: The p.G345R variant (also known as c.1033G>A), located in coding exon 6 of the TGFBR1 gene, results from a G to A substitution at nucleotide position 1033. The glycine at codon 345 is replaced by arginine, an amino acid with dissimilar properties, and is located in the protein kinase domain. This amino acid position is highly conserved in available vertebrate species. In addition, this alteration is predicted to be deleterious by in silico analysis. Since supporting evidence is limited at this time, the clinical significance of this alteration remains unclear.

NM_004612.4(TGFBR1):c.1033G>A (p.Gly345Arg)

Gene: TGFBR1 (transforming growth factor beta receptor 1; plus strand). Cytogenetic location: 9q22.33.
Variant type: single nucleotide variant.
Coding change: c.1033G>A on transcript NM_004612.4 (MANE Select); coding-DNA position 1033, G replaced by A.
Protein change: p.Gly345Arg; replaces glycine 345 with arginine.
Molecular consequence: missense variant.
Genome position (GRCh38, 1-based): chr9:99,144,791, G>A. VCF-style: chr9-99144791-G-A. GRCh37 (hg19) VCF-style: chr9-101907073-G-A.
Other names: c.802G>A, p.Gly268Arg (NM_001130916.3); c.1045G>A, p.Gly349Arg (NM_001306210.2); short protein forms G345R, G268R, G349R.
Identifiers: ClinVar variation 520225 (VCV000520225.13), dbSNP rs1554701900, ClinGen allele CA374231398.
Genomic context (GRCh38, chr9:99,144,791, plus strand): 5'-GGAAAGCCAGCCATTGCTCATAGAGATTTGAAATCAAAGAATATCTTGGTAAAGAAGAAT[G>A]GAACTTGCTGTATTGCAGACTTAGGACTGGCAGTAAGACATGATTCAGCCACAGATACCA-3'
Protein context (NP_004603.1, residues 335-355): KSKNILVKKN[Gly345Arg]TCCIADLGLA